The following is an entry in ClinVar:

ClinVar aggregate classification (germline): Uncertain significance. Review status: criteria provided, multiple submitters, no conflicts (2 of 4 stars). 2 submissions from 2 submitters: Uncertain significance (2). Last evaluated 2026-09-01.

gnomAD v4.1: 3 of 1,613,956 alleles (0.00019%); highest among the groups gnomAD compares: Non-Finnish European, 0.00017%; no homozygotes.

Submissions (2):

CeGaT Center for Human Genetics Tuebingen
Classification: Uncertain significance. Last evaluated: 2026-09-01. Review status: criteria provided, single submitter. Criteria: CeGaT Center For Human Genetics Tuebingen Variant Classification Criteria Version 2. Collection method: clinical testing. Allele origin: germline. Affected: yes. Observed: 1 variant allele.
Comment: MAPKBP1: PM2, BP4

Labcorp Genetics (formerly Invitae), Labcorp
Classification: Uncertain significance. Last evaluated: 2025-09-10. Review status: criteria provided, single submitter. Criteria: Invitae Variant Classification Sherloc (09022015). Collection method: clinical testing. Allele origin: germline.
Comment: This sequence change replaces asparagine, which is neutral and polar, with serine, which is neutral and polar, at codon 848 of the MAPKBP1 protein (p.Asn848Ser). This variant is present in population databases (rs137952757, gnomAD 0.004%). This variant has not been reported in the literature in individuals affected with MAPKBP1-related conditions. An algorithm developed to predict the effect of missense changes on protein structure and function outputs the following: PolyPhen-2: "Benign". The serine amino acid residue is found in multiple mammalian species, which suggests that this missense change does not adversely affect protein function. In summary, the available evidence is currently insufficient to determine the role of this variant in disease. Therefore, it has been classified as a Variant of Uncertain Significance.

NM_014994.3(MAPKBP1):c.2525A>G (p.Asn842Ser)

Gene: MAPKBP1 (mitogen-activated protein kinase binding protein 1; plus strand). Cytogenetic location: 15q15.1.
Variant type: single nucleotide variant.
Coding change: c.2525A>G on transcript NM_014994.3 (MANE Select); coding-DNA position 2525, A replaced by G.
Protein change: p.Asn842Ser; replaces asparagine 842 with serine.
Molecular consequence: missense variant. On other transcripts: non-coding transcript variant (2).
Genome position (GRCh38, 1-based): chr15:41,820,875, A>G. VCF-style: chr15-41820875-A-G. GRCh37 (hg19) VCF-style: chr15-42113073-A-G.
Other names: c.2543A>G, p.Asn848Ser (NM_001128608.2); c.2525A>G, p.Asn842Ser (NM_001265611.2); short protein forms N842S, N848S.
Identifiers: ClinVar variation 4780248 (VCV004780248.2).